The following is an entry in ClinVar:

NM_170606.3(KMT2C):c.3527G>A (p.Gly1176Asp)

Gene: KMT2C (lysine methyltransferase 2C; minus strand). Cytogenetic location: 7q36.1.
Variant type: single nucleotide variant.
Coding change: c.3527G>A on transcript NM_170606.3 (MANE Select); coding-DNA position 3527, G replaced by A.
Protein change: p.Gly1176Asp; replaces glycine 1176 with aspartic acid.
Molecular consequence: missense variant.
Genome position (GRCh38, 1-based): chr7:152,220,708, C>T on the plus strand (G>A on the coding strand, the complement: KMT2C is on the minus strand). VCF-style: chr7-152220708-C-T. GRCh37 (hg19) VCF-style: chr7-151917793-C-T.
Other names: short protein forms G1176D.
Identifiers: ClinVar variation 4847419 (VCV004847419.1).
Genomic context (GRCh38, chr7:152,220,708, plus strand): 5'-CTTGGAACTGTAACTGTGAGGCTCTGTAACTGAGTCATCCCTGATTCAGTCAAACACACA[C>T]CATCCTGGGTATAAGTCTTGGGTGGGTCTAAAATTACAAAATCCCAAGGATACAAATTTA-3'
Protein context (NP_733751.2, residues 1166-1186): LDPPKTYTQD[Gly1176Asp]VCLTESGMTQ

ClinVar aggregate classification (germline): Uncertain significance (1 of 4 stars; one submission).

Submission:

Women's Health and Genetics/Laboratory Corporation of America, LabCorp
Classification: Uncertain significance. Last evaluated: 2026-03-06. Review status: criteria provided, single submitter. Criteria: LabCorp Variant Classification Summary - May 2015. Collection method: clinical testing. Allele origin: germline.
Comment: Variant summary: KMT2C c.3527G>A (p.Gly1176Asp) results in a non-conservative amino acid change in the encoded protein sequence. Algorithms developed to predict the effect of missense changes on protein structure and function all suggest that this variant is likely to be disruptive. The variant was absent in 250698 control chromosomes. The available data on variant occurrences in the general population are insufficient to allow any conclusion about variant significance. To our knowledge, no occurrence of c.3527G>A in individuals affected with KMT2C-related conditions and no experimental evidence demonstrating its impact on protein function have been reported. No submitters have cited clinical-significance assessments for this variant to ClinVar. Based on the evidence outlined above, the variant was classified as uncertain significance.